The following is an entry in ClinVar:

ClinVar aggregate classification (germline): Likely pathogenic (1 of 4 stars; one submission).

Conditions:
Short stature and advanced bone age, with or without early-onset osteoarthritis and/or osteochondritis dissecans (SSOAOD). Identifiers: Orphanet 251262, MedGen C3665488, MONDO:0100462, OMIM 165800.

Submission:

3billion
Classification: Likely pathogenic for Short stature and advanced bone age, with or without early-onset osteoarthritis and/or osteochondritis dissecans. Last evaluated: 2023-08-16. Review status: criteria provided, single submitter. Criteria: ACMG Guidelines, 2015. Collection method: clinical testing. Allele origin: germline. Affected: yes.
Comment: The variant is not observed in the gnomAD v2.1.1 dataset. Predicted Consequence/Location: Frameshift: predicted to result in a loss or disruption of normal protein function through nonsense-mediated decay (NMD) or protein truncation. Multiple pathogenic variants are reported downstream of the variant. Therefore, this variant is classified as Likely pathogenic according to the recommendation of ACMG/AMP guideline.

NM_001369268.1(ACAN):c.1216del (p.Glu406fs)

Gene: ACAN (aggrecan; plus strand). Cytogenetic location: 15q26.1.
Variant type: Deletion.
Coding change: c.1216del on transcript NM_001369268.1 (MANE Select); coding-DNA position 1216, one base deleted (G; older notation c.1216delG).
Protein change: p.Glu406fs; shifts the reading frame from glutamic acid 406.
Molecular consequence: frameshift variant.
Genome position (GRCh38, 1-based): chr15:88,845,669, G deleted. VCF-style (leftmost placement, unchanged base first): chr15-88845668-CG-C. GRCh37 (hg19) VCF-style: chr15-89388899-CG-C.
Other names: c.1216del, p.Glu406fs (NM_001135.4, NM_001411096.1, NM_001411097.1 and 1 more transcripts); short protein forms E406fs.
Identifiers: ClinVar variation 3776036 (VCV003776036.1).